The following is an entry in ClinVar:

NM_000274.4(OAT):c.437G>T (p.Gly146Val)

Gene: OAT (ornithine aminotransferase; minus strand). Cytogenetic location: 10q26.13.
Variant type: single nucleotide variant.
Coding change: c.437G>T on transcript NM_000274.4 (MANE Select); coding-DNA position 437, G replaced by T.
Protein change: p.Gly146Val; replaces glycine 146 with valine.
Molecular consequence: missense variant. On other transcripts: 5 prime UTR variant (1), intron variant (1).
Genome position (GRCh38, 1-based): chr10:124,408,625, C>A on the plus strand (G>T on the coding strand, the complement: OAT is on the minus strand). VCF-style: chr10-124408625-C-A. GRCh37 (hg19) VCF-style: chr10-126097194-C-A.
Other names: c.23G>T, p.Gly8Val (NM_001171814.2); c.437G>T, p.Gly146Val (NM_001322965.2, NM_001322966.2, NM_001322967.2 and 3 more transcripts); c.-278G>T (NM_001322974.2); c.200-3062G>T (NM_001322971.2); short protein forms G8V, G146V.
Identifiers: ClinVar variation 957267 (VCV000957267.10), dbSNP rs1951668263, ClinGen allele CA378637057.

ClinVar aggregate classification (germline): Conflicting classifications of pathogenicity. Review status: criteria provided, conflicting classifications (1 of 4 stars). 2 submissions from 2 submitters: Likely pathogenic (1); Uncertain significance (1). Last evaluated 2022-07-05.

Conditions:
OAT-related disorder. Also called: OAT-related condition.
Ornithine aminotransferase deficiency (GACR). Also called: Ornithine ketoacid aminotransferase deficiency; Gyrate atrophy; Gyrate atrophy of choroid and retina; Girate atrophy of the retina; HYPERORNITHINEMIA WITH GYRATE ATROPHY OF CHOROID AND RETINA; OAT DEFICIENCY. Identifiers: Orphanet 414, MedGen C0018425, MONDO:0009796, OMIM 258870.

Submissions (2):

Labcorp Genetics (formerly Invitae), Labcorp
Classification: Uncertain significance for Ornithine aminotransferase deficiency. Last evaluated: 2022-07-05. Review status: criteria provided, single submitter. Criteria: Invitae Variant Classification Sherloc (09022015). Collection method: clinical testing. Allele origin: germline.
Comment: This sequence change replaces glycine, which is neutral and non-polar, with valine, which is neutral and non-polar, at codon 146 of the OAT protein (p.Gly146Val). This variant is not present in population databases (gnomAD no frequency). This variant has not been reported in the literature in individuals affected with OAT-related conditions. ClinVar contains an entry for this variant (Variation ID: 957267). Algorithms developed to predict the effect of missense changes on protein structure and function are either unavailable or do not agree on the potential impact of this missense change (SIFT: "Tolerated"; PolyPhen-2: "Probably Damaging"; Align-GVGD: "Class C0"). In summary, the available evidence is currently insufficient to determine the role of this variant in disease. Therefore, it has been classified as a Variant of Uncertain Significance.

Blueprint Genetics
Classification: Likely pathogenic for OAT-related disorders. Last evaluated: 2019-10-03. Review status: criteria provided, single submitter. Criteria: ACMG Guidelines, 2015. Collection method: clinical testing. Allele origin: germline. Affected: yes. Observed: 2 variant alleles.